The following is an entry in ClinVar:

ClinVar aggregate classification (germline): Uncertain significance. Review status: criteria provided, multiple submitters, no conflicts (2 of 4 stars). 2 submissions from 2 submitters: Uncertain significance (2). Last evaluated 2023-12-01.

Conditions:
Inborn genetic diseases. Identifiers: MedGen C0950123, MeSH D030342.

Allele frequency attached by ClinVar (database versions not stated): gnomAD exomes 0.00001; TOPMed 0.00001; ExAC 0.00002.
gnomAD v4.1: 7 of 1,612,762 alleles (0.00043%); highest among the groups gnomAD compares: Non-Finnish European, 0.00059%; no homozygotes.

Submissions (2):

CeGaT Center for Human Genetics Tuebingen
Classification: Uncertain significance. Last evaluated: 2023-12-01. Review status: criteria provided, single submitter. Criteria: CeGaT Center For Human Genetics Tuebingen Variant Classification Criteria Version 2. Collection method: clinical testing. Allele origin: germline. Affected: yes. Observed: 1 variant allele.
Comment: ATR: PM2

Ambry Genetics
Classification: Uncertain significance for Inborn genetic diseases. Last evaluated: 2021-08-05. Review status: criteria provided, single submitter. Criteria: Ambry Variant Classification Scheme 2023. Collection method: clinical testing. Allele origin: germline.
Comment: The p.H1558D variant (also known as c.4672C>G), located in coding exon 27 of the ATR gene, results from a C to G substitution at nucleotide position 4672. The histidine at codon 1558 is replaced by aspartic acid, an amino acid with similar properties. This amino acid position is conserved. In addition, this alteration is predicted to be tolerated by in silico analysis. Since supporting evidence is limited at this time, the clinical significance of this alteration remains unclear.

NM_001184.4(ATR):c.4672C>G (p.His1558Asp)

Gene: ATR (ATR checkpoint kinase; minus strand). Cytogenetic location: 3q23.
Variant type: single nucleotide variant.
Coding change: c.4672C>G on transcript NM_001184.4 (MANE Select); coding-DNA position 4672, C replaced by G.
Protein change: p.His1558Asp; replaces histidine 1558 with aspartic acid.
Molecular consequence: missense variant.
Genome position (GRCh38, 1-based): chr3:142,512,440, G>C on the plus strand (C>G on the coding strand, the complement: ATR is on the minus strand). VCF-style: chr3-142512440-G-C. GRCh37 (hg19) VCF-style: chr3-142231282-G-C.
Other names: c.4480C>G, p.His1494Asp (NM_001354579.2); c.4672C>G (NM_001184.3); short protein forms H1494D, H1558D.
Identifiers: ClinVar variation 3026412 (VCV003026412.23), dbSNP rs757706760, ClinGen allele CA2649782.